The following is an entry in ClinVar:

ClinVar aggregate classification (germline): Likely pathogenic. Review status: criteria provided, multiple submitters, no conflicts (2 of 4 stars). 2 submissions from 2 submitters: Likely pathogenic (2). Last evaluated 2022-10-04.

Conditions:
Coffin-Siris syndrome 6. Identifiers: MedGen C4540499, MONDO:0033492, OMIM 617808.

Submissions (2):

Genetics Laboratory, UDIAT-Centre Diagnòstic, Hospital Universitari Parc Tauli
Classification: Likely pathogenic for Coffin-Siris syndrome 6. Last evaluated: 2022-10-04. Review status: criteria provided, single submitter. Criteria: Parc Tauli Hospital Assertion Criteria 2021. Collection method: clinical testing. Allele origin: unknown. Inheritance: Autosomal dominant inheritance. Affected: yes.
Comment: PVS1;PM2_supporting

Juno Genomics, Hangzhou Juno Genomics, Inc
Classification: Likely pathogenic for Coffin-Siris syndrome 6. Review status: criteria provided, single submitter. Criteria: ACMG Guidelines, 2015. Collection method: clinical testing. Allele origin: germline. Affected: yes.
Comment: Absent from controls (or at extremely low frequency if recessive) in Genome Aggregation Database.;Null variant in a gene where loss of function (LOF) is a known mechanism of disease.

NM_152641.4(ARID2):c.2659C>T (p.Gln887Ter)

Gene: ARID2 (AT-rich interaction domain 2; plus strand). Cytogenetic location: 12q12.
Variant type: single nucleotide variant.
Coding change: c.2659C>T on transcript NM_152641.4 (MANE Select); coding-DNA position 2659, C replaced by T.
Protein change: p.Gln887Ter; replaces glutamine 887 with a stop codon.
Molecular consequence: nonsense.
Genome position (GRCh38, 1-based): chr12:45,850,782, C>T. VCF-style: chr12-45850782-C-T. GRCh37 (hg19) VCF-style: chr12-46244565-C-T.
Other names: c.2659C>T, p.Gln887Ter (NM_001347839.2); short protein forms Q887*.
Identifiers: ClinVar variation 1708211 (VCV001708211.3), dbSNP rs2138165087, ClinGen allele CA384476433.